The following is an entry in ClinVar:

ClinVar aggregate classification (germline): Uncertain significance (1 of 4 stars; one submission).

Conditions:
RASopathy. Also called: rasopathies; Noonan spectrum disorder. Identifiers: Orphanet 536391, MedGen C5555857, MONDO:0021060.

Submission:

Labcorp Genetics (formerly Invitae), Labcorp
Classification: Uncertain significance for Rasopathy. Last evaluated: 2019-09-23. Review status: criteria provided, single submitter. Criteria: Invitae Variant Classification Sherloc (09022015). Collection method: clinical testing. Allele origin: germline.
Comment: This variant results in a copy number gain of the genomic region encompassing exon 1 of the PTPN11 gene, which includes the initiator codon. The 5' end of this event is unknown as it extends beyond the assayed region for this gene and therefore may encompass additional genes. The 3' boundary is likely confined to intron 1 of the PTPN11 gene. As the precise location of this event is unknown, it may be in tandem or it may be located elsewhere in the genome. This variant has not been reported in the literature in individuals with PTPN11-related conditions. In summary, the available evidence is currently insufficient to determine the role of this variant in disease. Therefore, it has been classified as a Variant of Uncertain Significance.

NC_000012.12:g.(?_112419092)_(112419145_?)dup

Gene: PTPN11 (protein tyrosine phosphatase non-receptor type 11; plus strand). Cytogenetic location: 12q24.13.
Variant type: Duplication.
Identifiers: ClinVar variation 833319 (VCV000833319.1).